The following is an entry in ClinVar:

NM_002474.3(MYH11):c.2298C>G (p.Ser766Arg)

Gene: MYH11 (myosin heavy chain 11; minus strand). Cytogenetic location: 16p13.11.
Variant type: single nucleotide variant.
Coding change: c.2298C>G on transcript NM_002474.3 (MANE Select); coding-DNA position 2298, C replaced by G.
Protein change: p.Ser766Arg; replaces serine 766 with arginine.
Molecular consequence: missense variant.
Genome position (GRCh38, 1-based): chr16:15,747,683, G>C on the plus strand (C>G on the coding strand, the complement: MYH11 is on the minus strand). VCF-style: chr16-15747683-G-C. GRCh37 (hg19) VCF-style: chr16-15841540-G-C.
Other names: c.2319C>G, p.Ser773Arg (NM_001040113.2, NM_001040114.2); c.2298C>G, p.Ser766Arg (NM_022844.3); short protein forms S766R, S773R.
Identifiers: ClinVar variation 3073215 (VCV003073215.1), dbSNP rs2506266488, ClinGen allele CA394867442.

ClinVar aggregate classification (germline): Uncertain significance (1 of 4 stars; one submission).

Conditions:
Familial thoracic aortic aneurysm and aortic dissection (TAAD). Also called: Thoracic aortic aneurysms and dissections. Identifiers: Orphanet 91387, MedGen C4707243, MONDO:0019625.

Submission:

All of Us Research Program, National Institutes of Health
Classification: Uncertain significance for Familial thoracic aortic aneurysm and aortic dissection. Last evaluated: 2023-08-28. Review status: criteria provided, single submitter. Criteria: ACMG Guidelines, 2015. Collection method: clinical testing. Allele origin: germline. Inheritance: Autosomal dominant inheritance. Observed: 1 variant allele, 1 heterozygote.
Comment: This missense variant replaces serine with arginine at codon 773 of the MYH11 protein. Computational prediction suggests that this variant may have deleterious impact on protein structure and function (internally defined REVEL score threshold >= 0.7, PMID: 27666373). To our knowledge, functional studies have not been reported for this variant. This variant has not been reported in individuals affected with MYH11-related disorders in the literature. This variant has not been identified in the general population by the Genome Aggregation Database (gnomAD). The available evidence is insufficient to determine the role of this variant in disease conclusively. Therefore, this variant is classified as a Variant of Uncertain Significance.

This study involves interpretation of variants in research participants for the purpose of population health screening. Participant phenotype was not available at the time of variant classification. Additional details can be found in publication PMID: 35346344, PMCID: PMC8962531